The following is an entry in ClinVar:

NM_033026.6(PCLO):c.1426CCAGCAAAGCCCCCACCTCAACAGCCTGGC[3] (p.476PAKPPPQQPG[3])

Gene: PCLO (piccolo presynaptic cytomatrix protein; minus strand). Cytogenetic location: 7q21.11.
Variant type: Microsatellite.
Coding change: c.1426CCAGCAAAGCCCCCACCTCAACAGCCTGGC[3] on transcript NM_033026.6 (MANE Select); three copies in a row of the 30-base unit CCAGCAAAGCCCCCACCTCAACAGCCTGGC starting at c.1426; the reference has two copies in a row; one copy, 30 bases duplicated.
Protein change: p.476PAKPPPQQPG[3].
Molecular consequence: inframe insertion.
Genome position (GRCh38, 1-based): chr7:83,155,156-83,155,185, GCCAGGCTGTTGAGGTGGGGGCTTTGCTGG duplicated on the plus strand (CCAGCAAAGCCCCCACCTCAACAGCCTGGC on the coding strand, the reverse complement: PCLO is on the minus strand); duplicating any 30 consecutive bases within chr7:83,155,156-83,155,222 gives the same sequence; the position shown is the placement nearest the transcript's 3' end. VCF-style (leftmost placement, unchanged base first): chr7-83155155-A-AGCCAGGCTGTTGAGGTGGGGGCTTTGCTGG. GRCh37 (hg19) VCF-style: chr7-82784471-A-AGCCAGGCTGTTGAGGTGGGGGCTTTGCTGG.
Other names: c.1426CCAGCAAAGCCCCCACCTCAACAGCCTGGC[3], p.476PAKPPPQQPG[3] (NM_014510.3); c.1456_1485dup30 (NM_033026.5).
Identifiers: ClinVar variation 1355887 (VCV001355887.5), dbSNP rs750616592, ClinGen allele CA576266891.

ClinVar aggregate classification (germline): Uncertain significance. Review status: criteria provided, multiple submitters, no conflicts (2 of 4 stars). 2 submissions from 2 submitters: Uncertain significance (2). Last evaluated 2025-01-05.

Submissions (2):

Labcorp Genetics (formerly Invitae), Labcorp
Classification: Uncertain significance. Last evaluated: 2025-01-05. Review status: criteria provided, single submitter. Criteria: Invitae Variant Classification Sherloc (09022015). Collection method: clinical testing. Allele origin: germline.
Comment: This variant, c.1456_1485dup, results in the insertion of 10 amino acid(s) of the PCLO protein (p.Pro486_Gly495dup), but otherwise preserves the integrity of the reading frame. This variant is present in population databases (no rsID available, gnomAD 0.004%). This variant has not been reported in the literature in individuals affected with PCLO-related conditions. Experimental studies and prediction algorithms are not available or were not evaluated, and the functional significance of this variant is currently unknown. In summary, the available evidence is currently insufficient to determine the role of this variant in disease. Therefore, it has been classified as a Variant of Uncertain Significance.

Women's Health and Genetics/Laboratory Corporation of America, LabCorp
Classification: Uncertain significance. Last evaluated: 2023-04-05. Review status: criteria provided, single submitter. Criteria: LabCorp Variant Classification Summary - May 2015. Collection method: clinical testing. Allele origin: germline.
Comment: Variant summary: PCLO c.1456_1485dup30 (p.Pro486_Gly495dup) results in an in-frame duplication that is predicted to duplicate ten amino acids in the encoded protein. The variant allele was found at a frequency of 2.4e-05 in 205898 control chromosomes (gnomAD). The available data on variant occurrences in the general population are insufficient to allow any conclusion about variant significance. To our knowledge, no occurrence of c.1456_1485dup30 in individuals affected with Pontocerebellar Hypoplasia Type 3 and no experimental evidence demonstrating its impact on protein function have been reported. One clinical diagnostic laboratory has submitted a clinical-significance assessment for this variant to ClinVar after 2014 and classified the variant as uncertain significance. Based on the evidence outlined above, the variant was classified as uncertain significance.